The following is an entry in ClinVar:

ClinVar aggregate classification (germline): Uncertain significance. Review status: criteria provided, multiple submitters, no conflicts (2 of 4 stars). 2 submissions from 2 submitters: Uncertain significance (2). Last evaluated 2026-08-11.

Conditions:
Hereditary cancer-predisposing syndrome. Also called: Tumor predisposition; Hereditary Cancer Syndrome; Hereditary neoplastic syndrome; Neoplastic Syndromes, Hereditary. Identifiers: Orphanet 140162, MedGen C0027672, MeSH D009386, MONDO:0015356.
EGFR-related lung cancer (EGFR). Identifiers: MedGen CN130014.

gnomAD v4.1: 5 of 1,614,024 alleles (0.00031%); highest among the groups gnomAD compares: Non-Finnish European, 0.00042%; no homozygotes.

Submissions (2):

Ambry Genetics
Classification: Uncertain significance for Hereditary cancer-predisposing syndrome. Last evaluated: 2026-08-11. Review status: criteria provided, single submitter. Criteria: Ambry Variant Classification Scheme 2023. Collection method: clinical testing. Allele origin: germline.
Comment: The p.V659G variant (also known as c.1976T>G), located in coding exon 17 of the EGFR gene, results from a T to G substitution at nucleotide position 1976. The valine at codon 659 is replaced by glycine, an amino acid with dissimilar properties. This amino acid position is conserved. In addition, the in silico prediction for this alteration is inconclusive. Based on the available evidence, the clinical significance of this variant remains unclear.

Labcorp Genetics (formerly Invitae), Labcorp
Classification: Uncertain significance for EGFR-related lung cancer. Last evaluated: 2022-02-07. Review status: criteria provided, single submitter. Criteria: Invitae Variant Classification Sherloc (09022015). Collection method: clinical testing. Allele origin: germline.
Comment: In summary, the available evidence is currently insufficient to determine the role of this variant in disease. Therefore, it has been classified as a Variant of Uncertain Significance. Algorithms developed to predict the effect of missense changes on protein structure and function are either unavailable or do not agree on the potential impact of this missense change (SIFT: "Deleterious"; PolyPhen-2: "Possibly Damaging"; Align-GVGD: "Class C0"). This variant has not been reported in the literature in individuals affected with EGFR-related conditions. This variant is not present in population databases (gnomAD no frequency). This sequence change replaces valine, which is neutral and non-polar, with glycine, which is neutral and non-polar, at codon 659 of the EGFR protein (p.Val659Gly).

NM_005228.5(EGFR):c.1976T>G (p.Val659Gly)

Gene: EGFR (epidermal growth factor receptor; plus strand). Cytogenetic location: 7p11.2.
Variant type: single nucleotide variant.
Coding change: c.1976T>G on transcript NM_005228.5 (MANE Select); coding-DNA position 1976, T replaced by G.
Protein change: p.Val659Gly; replaces valine 659 with glycine.
Molecular consequence: missense variant.
Genome position (GRCh38, 1-based): chr7:55,173,039, T>G. VCF-style: chr7-55173039-T-G. GRCh37 (hg19) VCF-style: chr7-55240732-T-G.
Other names: c.1841T>G, p.Val614Gly (NM_001346897.2, NM_001346899.2); c.1976T>G, p.Val659Gly (NM_001346898.2); c.1817T>G, p.Val606Gly (NM_001346900.2); c.1175T>G, p.Val392Gly (NM_001346941.2); short protein forms V614G, V392G, V659G, V606G.
Identifiers: ClinVar variation 2094444 (VCV002094444.5), dbSNP rs755356995, ClinGen allele CA367583047.